The following is an entry in ClinVar:

ClinVar aggregate classification (germline): Uncertain significance. Review status: criteria provided, multiple submitters, no conflicts (2 of 4 stars). 2 submissions from 2 submitters: Uncertain significance (2). Last evaluated 2024-04-24.

Conditions:
KBG syndrome (KBGS). Also called: ANKRD11-Related KBG Syndrome. Identifiers: Orphanet 2332, MedGen C0220687, MONDO:0007846, OMIM 148050.

Allele frequency attached by ClinVar (database versions not stated): gnomAD exomes below 0.00001.
gnomAD v4.1: 2 of 1,614,038 alleles (0.00012%); highest among the groups gnomAD compares: Admixed American, 0.0017%; no homozygotes.

Submissions (2):

Labcorp Genetics (formerly Invitae), Labcorp
Classification: Uncertain significance for KBG syndrome. Last evaluated: 2024-04-24. Review status: criteria provided, single submitter. Criteria: Invitae Variant Classification Sherloc (09022015). Collection method: clinical testing. Allele origin: germline.
Comment: This sequence change replaces aspartic acid, which is acidic and polar, with asparagine, which is neutral and polar, at codon 1565 of the ANKRD11 protein (p.Asp1565Asn). This variant is present in population databases (no rsID available, gnomAD 0.003%). This variant has not been reported in the literature in individuals affected with ANKRD11-related conditions. ClinVar contains an entry for this variant (Variation ID: 1212264). Advanced modeling of protein sequence and biophysical properties (such as structural, functional, and spatial information, amino acid conservation, physicochemical variation, residue mobility, and thermodynamic stability) has been performed at Invitae for this missense variant, however the output from this modeling did not meet the statistical confidence thresholds required to predict the impact of this variant on ANKRD11 protein function. In summary, the available evidence is currently insufficient to determine the role of this variant in disease. Therefore, it has been classified as a Variant of Uncertain Significance.

GeneDx
Classification: Uncertain significance. Last evaluated: 2020-11-04. Review status: criteria provided, single submitter. Criteria: GeneDx Variant Classification Process June 2021. Collection method: clinical testing. Allele origin: germline. Affected: yes.
Comment: Not observed at a significant frequency in large population cohorts (Lek et al., 2016); In silico analysis supports that this missense variant has a deleterious effect on protein structure/function; Missense variant in a gene in which most reported pathogenic variants are truncating/loss-of-function; Has not been previously published as pathogenic or benign to our knowledge

NM_013275.6(ANKRD11):c.4693G>A (p.Asp1565Asn)

Gene: ANKRD11 (ankyrin repeat domain 11; minus strand). Cytogenetic location: 16q24.3.
Variant type: single nucleotide variant.
Coding change: c.4693G>A on transcript NM_013275.6 (MANE Select); coding-DNA position 4693, G replaced by A.
Protein change: p.Asp1565Asn; replaces aspartic acid 1565 with asparagine.
Molecular consequence: missense variant.
Genome position (GRCh38, 1-based): chr16:89,281,849, C>T on the plus strand (G>A on the coding strand, the complement: ANKRD11 is on the minus strand). VCF-style: chr16-89281849-C-T. GRCh37 (hg19) VCF-style: chr16-89348257-C-T.
Other names: c.4693G>A, p.Asp1565Asn (NM_001256182.2, NM_001256183.2); short protein forms D1565N.
Identifiers: ClinVar variation 1212264 (VCV001212264.8), dbSNP rs979223082, ClinGen allele CA286515445.
Genomic context (GRCh38, chr16:89,281,849, plus strand): 5'-TCTCGAAGCTGGTCATCATCAGGTCGCCGTCCCCCAGGAGCTTCTCCCTGGGCCTGGCGT[C>T]TTTCTTGCCTGGGTCTTTGGATGGCGCTACCTTATCATTCCCGTTGCTCATCTTCACTGG-3'
Protein context (NP_037407.4, residues 1555-1575): VAPSKDPGKK[Asp1565Asn]ARPREKLLGD